The following is an entry in ClinVar:

NM_001162501.2(TNRC6B):c.194A>G (p.Asn65Ser)

Gene: TNRC6B (trinucleotide repeat containing adaptor 6B; plus strand). Cytogenetic location: 22q13.1.
Variant type: single nucleotide variant.
Coding change: c.194A>G on transcript NM_001162501.2 (MANE Select); coding-DNA position 194, A replaced by G.
Protein change: p.Asn65Ser; replaces asparagine 65 with serine.
Molecular consequence: missense variant.
Genome position (GRCh38, 1-based): chr22:40,261,910, A>G. VCF-style: chr22-40261910-A-G. GRCh37 (hg19) VCF-style: chr22-40657914-A-G.
Other names: c.302A>G, p.Asn101Ser (NM_001024843.2); c.194A>G, p.Asn65Ser (NM_015088.3); short protein forms N101S, N65S.
Identifiers: ClinVar variation 4084171 (VCV004084171.8).

ClinVar aggregate classification (germline): Likely benign (1 of 4 stars; one submission).

gnomAD v4.1: 94 of 1,609,220 alleles (0.0058%); highest among the groups gnomAD compares: Non-Finnish European, 0.0075%; no homozygotes.

Submission:

CeGaT Center for Human Genetics Tuebingen
Classification: Likely benign. Last evaluated: 2025-08-01. Review status: criteria provided, single submitter. Criteria: CeGaT Center For Human Genetics Tuebingen Variant Classification Criteria Version 2. Collection method: clinical testing. Allele origin: germline. Affected: yes. Observed: 1 variant allele.
Comment: TNRC6B: BS1